The following is an entry in ClinVar:

ClinVar aggregate classification (germline): Uncertain significance. Review status: criteria provided, multiple submitters, no conflicts (2 of 4 stars). 3 submissions from 3 submitters: Uncertain significance (3). Last evaluated 2025-05-02.

Conditions:
PRPF3-related disorder. Also called: PRPF3-related condition.

Allele frequency attached by ClinVar (database versions not stated): gnomAD 0.00001; TOPMed 0.00002.
gnomAD v4.1: 15 of 1,613,968 alleles (0.00093%); highest among the groups gnomAD compares: African/African-American, 0.0013%; no homozygotes.

Submissions (3):

PreventionGenetics, part of Exact Sciences
Classification: Uncertain significance for PRPF3-related condition. Last evaluated: 2025-05-02. Review status: criteria provided, single submitter. Criteria: ACMG Guidelines, 2015. Collection method: clinical testing. Allele origin: germline.
Comment: The PRPF3 c.1922G>A variant is predicted to result in the amino acid substitution p.Arg641Gln. To our knowledge, this variant has not been reported in the literature. This variant is absent in a large population database (gnomAD), indicating this variant is rare. At this time, the clinical significance of this variant is uncertain due to the absence of conclusive functional and genetic evidence.

Blueprint Genetics
Classification: Uncertain significance. Last evaluated: 2023-10-06. Review status: criteria provided, single submitter. Criteria: ACMG Guidelines, 2015. Collection method: clinical testing. Allele origin: germline.

Labcorp Genetics (formerly Invitae), Labcorp
Classification: Uncertain significance. Last evaluated: 2022-06-20. Review status: criteria provided, single submitter. Criteria: Invitae Variant Classification Sherloc (09022015). Collection method: clinical testing. Allele origin: germline.
Comment: In summary, the available evidence is currently insufficient to determine the role of this variant in disease. Therefore, it has been classified as a Variant of Uncertain Significance. Algorithms developed to predict the effect of missense changes on protein structure and function are either unavailable or do not agree on the potential impact of this missense change (SIFT: "Tolerated"; PolyPhen-2: "Probably Damaging"; Align-GVGD: "Class C0"). ClinVar contains an entry for this variant (Variation ID: 866811). This variant has not been reported in the literature in individuals affected with PRPF3-related conditions. This variant is not present in population databases (gnomAD no frequency). This sequence change replaces arginine, which is basic and polar, with glutamine, which is neutral and polar, at codon 641 of the PRPF3 protein (p.Arg641Gln).

NM_004698.4(PRPF3):c.1922G>A (p.Arg641Gln)

Gene: PRPF3 (pre-mRNA processing factor 3; plus strand). Cytogenetic location: 1q21.2.
Variant type: single nucleotide variant.
Coding change: c.1922G>A on transcript NM_004698.4 (MANE Select); coding-DNA position 1922, G replaced by A.
Protein change: p.Arg641Gln; replaces arginine 641 with glutamine.
Molecular consequence: missense variant. On other transcripts: non-coding transcript variant (4).
Genome position (GRCh38, 1-based): chr1:150,352,849, G>A. VCF-style: chr1-150352849-G-A. GRCh37 (hg19) VCF-style: chr1-150325325-G-A.
Other names: c.1517G>A, p.Arg506Gln (NM_001350529.1); short protein forms R641Q, R506Q.
Identifiers: ClinVar variation 866811 (VCV000866811.14), dbSNP rs201590000, ClinGen allele CA30031929.
Genomic context (GRCh38, chr1:150,352,849, plus strand): 5'-TAAATAAGAAATTGAAGTGTTTTTATTATATATCTCTTTTCTAGGGTACAGCCAAAGACC[G>A]GAGCTTTGGAGAGATGAAGTTTAAACAGTGTCCTACAGAGAACATGGCTCGTGAGCATTT-3'
Protein context (NP_004689.1, residues 631-651): VLVWEGTAKD[Arg641Gln]SFGEMKFKQC